The following is an entry in ClinVar:

ClinVar aggregate classification (germline): Uncertain significance (1 of 4 stars; one submission).

Allele frequency attached by ClinVar (database versions not stated): gnomAD 0.00001; gnomAD exomes 0.00001; TOPMed 0.00003.
gnomAD v4.1: 11 of 1,607,736 alleles (0.00068%); highest among the groups gnomAD compares: Middle Eastern, 0.016%; no homozygotes.

Submission:

Labcorp Genetics (formerly Invitae), Labcorp
Classification: Uncertain significance. Last evaluated: 2022-04-11. Review status: criteria provided, single submitter. Criteria: Invitae Variant Classification Sherloc (09022015). Collection method: clinical testing. Allele origin: germline.
Comment: In summary, the available evidence is currently insufficient to determine the role of this variant in disease. Therefore, it has been classified as a Variant of Uncertain Significance. Algorithms developed to predict the effect of missense changes on protein structure and function (SIFT, PolyPhen-2, Align-GVGD) all suggest that this variant is likely to be tolerated. This sequence change replaces arginine, which is basic and polar, with glutamine, which is neutral and polar, at codon 477 of the IL12RB2 protein (p.Arg477Gln). This variant is present in population databases (no rsID available, gnomAD 0.007%). This variant has not been reported in the literature in individuals affected with IL12RB2-related conditions.

NM_001374259.2(IL12RB2):c.1430G>A (p.Arg477Gln)

Gene: IL12RB2 (interleukin 12 receptor subunit beta 2; plus strand). Cytogenetic location: 1p31.3.
Variant type: single nucleotide variant.
Coding change: c.1430G>A on transcript NM_001374259.2 (MANE Select); coding-DNA position 1430, G replaced by A.
Protein change: p.Arg477Gln; replaces arginine 477 with glutamine.
Molecular consequence: missense variant. On other transcripts: non-coding transcript variant (2).
Genome position (GRCh38, 1-based): chr1:67,367,996, G>A. VCF-style: chr1-67367996-G-A. GRCh37 (hg19) VCF-style: chr1-67833679-G-A.
Other names: c.1430G>A, p.Arg477Gln (NM_001258214.1, NM_001258215.1, NM_001258216.1 and 2 more transcripts); short protein forms R477Q.
Identifiers: ClinVar variation 1961645 (VCV001961645.5), dbSNP rs1406609549, ClinGen allele CA340738287.
Genomic context (GRCh38, chr1:67,367,996, plus strand): 5'-AATGGAGAGAGCTCCATCCAGGGGGTGACACACAGGTCCCTCTAAACTGGCTACGGAGTC[G>A]ACCCTACAATGTGTCTGCTCTGATTTCAGGTACCTAATTGTTCACCTTCCTTCTAGAGGG-3'
Protein context (NP_001361188.1, residues 467-487): TQVPLNWLRS[Arg477Gln]PYNVSALISE